The following is an entry in ClinVar:

NM_000038.6(APC):c.8155G>A (p.Glu2719Lys)

Gene: APC (APC regulator of Wnt signaling pathway; plus strand). Cytogenetic location: 5q22.2.
Variant type: single nucleotide variant.
Coding change: c.8155G>A on transcript NM_000038.6 (MANE Select); coding-DNA position 8155, G replaced by A.
Protein change: p.Glu2719Lys; replaces glutamic acid 2719 with lysine.
Molecular consequence: missense variant. On other transcripts: non-coding transcript variant (2).
Genome position (GRCh38, 1-based): chr5:112,843,749, G>A. VCF-style: chr5-112843749-G-A. GRCh37 (hg19) VCF-style: chr5-112179446-G-A.
Other names: c.7852G>A, p.Glu2618Lys (NM_001407459.1, NM_001407460.1, NM_001354903.2 and 1 more transcripts); c.7768G>A, p.Glu2590Lys (NM_001407467.1, NM_001407469.1); c.7306G>A, p.Glu2436Lys (NM_001407470.1, NM_001354906.2); c.7003G>A, p.Glu2335Lys (NM_001407471.1, NM_001407472.1); c.8155G>A, p.Glu2719Lys (NM_001127510.3, NM_001354895.2, NM_001407450.1); c.8101G>A, p.Glu2701Lys (NM_001127511.3); c.8209G>A, p.Glu2737Lys (NM_001354896.2, NM_001407447.1, NM_001407448.1 and 1 more transcripts); c.8185G>A, p.Glu2729Lys (NM_001354897.2); and 12 more; short protein forms E2436K, E2628K, E2636K, E2660K, E2719K, E2747K, E2618K, E2691K.
Identifiers: ClinVar variation 3635525 (VCV003635525.4).

ClinVar aggregate classification (germline): Uncertain significance. Review status: criteria provided, multiple submitters, no conflicts (2 of 4 stars). 3 submissions from 3 submitters: Uncertain significance (3). Last evaluated 2026-06-28.

Conditions:
Hereditary cancer-predisposing syndrome. Also called: Neoplastic Syndromes, Hereditary; Tumor predisposition; Hereditary neoplastic syndrome; Hereditary Cancer Syndrome. Identifiers: Orphanet 140162, MedGen C0027672, MeSH D009386, MONDO:0015356.
Familial adenomatous polyposis 1 (FAP1). Also called: POLYPOSIS, ADENOMATOUS INTESTINAL; FAMILIAL ADENOMATOUS POLYPOSIS 1, ATTENUATED. Identifiers: MedGen C2713442, MONDO:0021056, OMIM 175100. Disease mechanism: loss of function.

Submissions (3):

Women's Health and Genetics/Laboratory Corporation of America, LabCorp
Classification: Uncertain significance. Last evaluated: 2026-06-28. Review status: criteria provided, single submitter. Criteria: LabCorp Variant Classification Summary - May 2015. Collection method: clinical testing. Allele origin: germline.

Ambry Genetics
Classification: Uncertain significance for Hereditary cancer-predisposing syndrome. Last evaluated: 2025-01-30. Review status: criteria provided, single submitter. Criteria: Ambry Variant Classification Scheme 2023. Collection method: clinical testing. Allele origin: germline.
Comment: The p.E2719K variant (also known as c.8155G>A), located in coding exon 15 of the APC gene, results from a G to A substitution at nucleotide position 8155. The glutamic acid at codon 2719 is replaced by lysine, an amino acid with similar properties. This amino acid position is highly conserved in available vertebrate species. In addition, in silico predictors for this gene do not accurately predict pathogenicity. Missense alterations in APC are not a common cause of disease (Spier I et al. Genet Med. 2024 Feb;26(2):100992). Based on the available evidence, the clinical significance of this variant remains unclear.

Labcorp Genetics (formerly Invitae), Labcorp
Classification: Uncertain significance for Familial adenomatous polyposis 1. Last evaluated: 2024-08-08. Review status: criteria provided, single submitter. Criteria: Invitae Variant Classification Sherloc (09022015). Collection method: clinical testing. Allele origin: germline.
Comment: This sequence change replaces glutamic acid, which is acidic and polar, with lysine, which is basic and polar, at codon 2719 of the APC protein (p.Glu2719Lys). This variant is not present in population databases (gnomAD no frequency). This variant has not been reported in the literature in individuals affected with APC-related conditions. Advanced modeling of protein sequence and biophysical properties (such as structural, functional, and spatial information, amino acid conservation, physicochemical variation, residue mobility, and thermodynamic stability) performed at Invitae indicates that this missense variant is not expected to disrupt APC protein function with a negative predictive value of 95%. In summary, the available evidence is currently insufficient to determine the role of this variant in disease. Therefore, it has been classified as a Variant of Uncertain Significance.